The following continues an entry in ClinVar:

NC_012920.1(MT-ATP6):m.9176T>C

Gene: MT-ATP6. ClinVar aggregate classification (germline): Pathogenic. Pathogenic (1).

Submissions 11 to 20 of 20:

Wong Mito Lab, Molecular and Human Genetics, Baylor College of Medicine
Classification: Pathogenic for Leigh syndrome. Last evaluated: 2019-10-17. Review status: criteria provided, single submitter. Criteria: Modified ACMG Guidelines (Unpublished). Collection method: clinical testing. Allele origin: germline. Not counted in ClinVar's aggregate classification.
Comment: The NC_012920.1:m.9176T>C (YP_003024031.1:p.Leu217Pro) variant in MTATP6 gene is interpretated to be a Pathogenic variant based on the modified ACMG guidelines (unpublished). This variant meets the following evidence codes: PS1, PM9, PM10, PP3, PP4

Institute of Human Genetics, University Hospital of Duesseldorf
Classification: Pathogenic for Leigh syndrome. Review status: criteria provided, single submitter. Criteria: ACMG Guidelines, 2015. Collection method: not provided. Allele origin: germline. Inheritance: Mitochondrial inheritance. Affected: yes. Not counted in ClinVar's aggregate classification.

Pediatric Department, Xiangya Hospital, Central South University
Classification: Pathogenic for Leigh syndrome. Review status: criteria provided, single submitter. Criteria: ACMG Guidelines, 2015. Collection method: clinical testing. Allele origin: maternal. Affected: yes. Not counted in ClinVar's aggregate classification.

Solve-RD Consortium
Classification: Likely pathogenic for NARP syndrome. Last evaluated: 2022-06-01. Review status: no assertion criteria provided. Collection method: provider interpretation. Allele origin: maternal. Affected: yes. Observed: 2 variant alleles. Not counted in ClinVar's aggregate classification.
Comment: Variant confirmed as disease-causing by referring clinical team

Variant identified during reanalysis of unsolved cases by the Solve-RD project. The Solve-RD project has received funding from the European Union’s Horizon 2020 research and innovation programme under grant agreement No 779257.

OMIM
Classification: Pathogenic for BILATERAL STRIATAL NECROSIS, INFANTILE, MITOCHONDRIAL. Last evaluated: 1998-05-01. Review status: no assertion criteria provided. Collection method: literature only. Allele origin: germline. Not counted in ClinVar's aggregate classification.

OMIM
Classification: Pathogenic for MITOCHONDRIAL COMPLEX V (ATP SYNTHASE) DEFICIENCY, MITOCHONDRIAL TYPE 1. Last evaluated: 1998-05-01. Review status: no assertion criteria provided. Collection method: literature only. Allele origin: germline. Not counted in ClinVar's aggregate classification.

OMIM
Classification: Pathogenic for LEIGH SYNDROME, MITOCHONDRIAL. Last evaluated: 1998-05-01. Review status: no assertion criteria provided. Collection method: literature only. Allele origin: germline. Not counted in ClinVar's aggregate classification.

GeneReviews
No classification provided. Condition: Leigh syndrome. Review status: no classification provided. Collection method: literature only. Allele origin: germline. Not counted in ClinVar's aggregate classification.

Genomics England Pilot Project, Genomics England
Classification: Likely pathogenic for Leber optic atrophy. Review status: no assertion criteria provided. Criteria: ACGS Guidelines, 2016. Collection method: clinical testing. Allele origin: germline. Affected: yes. Not counted in ClinVar's aggregate classification.

Inherited Neuropathy Consortium
Classification: Uncertain significance. Review status: no assertion criteria provided. Collection method: provider interpretation. Allele origin: inherited. Affected: yes. Not counted in ClinVar's aggregate classification.

Literature cited by the submitters: PubMed 20056103 (cited by ClinGen Mitochondrial Disease Nuclear and Mitochondrial  Variant Curation Expert Panel, ClinGen and Rady Children's Institute for Genomic Medicine, Rady Children's Hospital San Diego); PubMed 19160410 (cited by ClinGen Mitochondrial Disease Nuclear and Mitochondrial  Variant Curation Expert Panel, ClinGen); PubMed 9270604 (cited by 4 submitters); PubMed 7668837 (cited by 5 submitters); PubMed 9501263 (cited by 3 submitters); PubMed 9631394 (cited by 3 submitters); PubMed 21819970 (cited by SingHealth Duke-NUS Institute of Precision Medicine and Rady Children's Institute for Genomic Medicine, Rady Children's Hospital San Diego); PubMed 17209980 (cited by Rady Children's Institute for Genomic Medicine, Rady Children's Hospital San Diego); PubMed 15709156 (cited by Rady Children's Institute for Genomic Medicine, Rady Children's Hospital San Diego); PubMed 11198506 (cited by Rady Children's Institute for Genomic Medicine, Rady Children's Hospital San Diego); PubMed 27408822 (cited by Rady Children's Institute for Genomic Medicine, Rady Children's Hospital San Diego); PubMed 30136164 (cited by Rady Children's Institute for Genomic Medicine, Rady Children's Hospital San Diego); PubMed 20656066 (cited by Rady Children's Institute for Genomic Medicine, Rady Children's Hospital San Diego); PubMed 19747204 (cited by Rady Children's Institute for Genomic Medicine, Rady Children's Hospital San Diego); PubMed 39825153 (cited by Solve-RD Consortium); NCBI Bookshelf NBK1173 (cited by GeneReviews).